The following is an entry in ClinVar:

NM_000110.4(DPYD):c.1339+1_1339+16dup

Gene: DPYD (dihydropyrimidine dehydrogenase; minus strand). Cytogenetic location: 1p21.3.
Variant type: Duplication.
Coding change: c.1339+1_1339+16dup on transcript NM_000110.4 (MANE Select); the canonical splice donor site of the intron after coding-DNA position 1339 through 16 bases into the intron after coding-DNA position 1339, 16 bases duplicated (GTACAGTGCTGGGAGC).
Molecular consequence: splice donor variant.
Genome position (GRCh38, 1-based): chr1:97,573,744-97,573,759, GCTCCCAGCACTGTAC duplicated on the plus strand (GTACAGTGCTGGGAGC on the coding strand, the reverse complement: DPYD is on the minus strand). VCF-style (leftmost placement, unchanged base first): chr1-97573743-A-AGCTCCCAGCACTGTAC. GRCh37 (hg19) VCF-style: chr1-98039299-A-AGCTCCCAGCACTGTAC.
Identifiers: ClinVar variation 4901922 (VCV004901922.2).

ClinVar aggregate classification (germline): Conflicting classifications of pathogenicity. Review status: criteria provided, conflicting classifications (1 of 4 stars). 2 submissions from 2 submitters: Uncertain significance (1); Likely benign (1). Last evaluated 2025-11-20.

Conditions:
Dihydropyrimidine dehydrogenase deficiency (DPYDD). Also called: DPD DEFICIENCY; DPYD DEFICIENCY; Hereditary Thymine-Uraciluria. Identifiers: Orphanet 1675, MedGen C1959620, MONDO:0010130, OMIM 274270.

Submissions (2):

Myriad Genetics, Inc.
Classification: Uncertain significance for Dihydropyrimidine dehydrogenase deficiency. Last evaluated: 2025-11-20. Review status: criteria provided, single submitter. Criteria: Myriad Autosomal Dominant, Autosomal Recessive and X-Linked Classification Criteria (2023). Collection method: clinical testing. Allele origin: unknown.
Comment: NM_000110.3(DPYD):c.1339+1_1339+16dup16 is a variant in a canonical splice site classified as a variant of uncertain significance in the context of dihydropyrimidine dehydrogenase deficiency. c.1339+1_1339+16dup16 has not been observed in cases with relevant disease. Relevant functional assessments of this variant are not available in the literature. c.1339+1_1339+16dup16 has not been observed in referenced population frequency databases. In summary, there is insufficient evidence to classify NM_000110.3(DPYD):c.1339+1_1339+16dup16 as pathogenic or benign. Please note: this variant was assessed in the context of healthy population screening.

Blueprint Genetics
Classification: Likely benign. Last evaluated: 2023-07-05. Review status: criteria provided, single submitter. Criteria: ACMG Guidelines, 2015. Collection method: clinical testing. Allele origin: germline.